The following is an entry in ClinVar:

ClinVar aggregate classification (germline): Uncertain significance. Review status: criteria provided, multiple submitters, no conflicts (2 of 4 stars). 2 submissions from 2 submitters: Uncertain significance (2). Last evaluated 2025-01-27.

Submissions (2):

Labcorp Genetics (formerly Invitae), Labcorp
Classification: Uncertain significance. Last evaluated: 2025-01-27. Review status: criteria provided, single submitter. Criteria: Invitae Variant Classification Sherloc (09022015). Collection method: clinical testing. Allele origin: germline.
Comment: This sequence change replaces proline, which is neutral and non-polar, with arginine, which is basic and polar, at codon 2394 of the COL7A1 protein (p.Pro2394Arg). This variant is not present in population databases (gnomAD no frequency). This missense change has been observed in individual(s) with clinical features of autosomal dominant dystrophic epidermolysis bullosa (PMID: 32396230, 36287101). It has also been observed to segregate with disease in related individuals. ClinVar contains an entry for this variant (Variation ID: 2765184). Invitae Evidence Modeling of protein sequence and biophysical properties (such as structural, functional, and spatial information, amino acid conservation, physicochemical variation, residue mobility, and thermodynamic stability) indicates that this missense variant is not expected to disrupt COL7A1 protein function with a negative predictive value of 95%. In summary, the available evidence is currently insufficient to determine the role of this variant in disease. Therefore, it has been classified as a Variant of Uncertain Significance.

Women's Health and Genetics/Laboratory Corporation of America, LabCorp
Classification: Uncertain significance. Last evaluated: 2024-10-29. Review status: criteria provided, single submitter. Criteria: LabCorp Variant Classification Summary - May 2015. Collection method: clinical testing. Allele origin: germline.
Comment: Variant summary: COL7A1 c.7181C>G (p.Pro2394Arg) results in a non-conservative amino acid change in the encoded protein sequence. Four of five in-silico tools predict a damaging effect of the variant on protein function. The frequency data for this variant in gnomAD is considered unreliable, as metrics indicate poor data quality at this position. c.7181C>G has been reported in the literature in heterozygous individuals affected with Dystrophic epidermolysis bullosa with nails only phenotype (e.g. Yang_2020). These data indicate that the variant may be associated with disease. To our knowledge, no experimental evidence demonstrating an impact on protein function has been reported. The following publication has been ascertained in the context of this evaluation (PMID: 32396230). ClinVar contains an entry for this variant (Variation ID: 2765184). Based on the evidence outlined above, the variant was classified as VUS-possibly pathogenic.

Literature cited by the submitters: PubMed 32396230 (cited by Labcorp Genetics (formerly Invitae), Labcorp and Women's Health and Genetics/Laboratory Corporation of America, LabCorp); PubMed 36287101 (cited by Labcorp Genetics (formerly Invitae), Labcorp).

NM_000094.4(COL7A1):c.7181C>G (p.Pro2394Arg)

Gene: COL7A1 (collagen type VII alpha 1 chain; minus strand). Cytogenetic location: 3p21.31.
Variant type: single nucleotide variant.
Coding change: c.7181C>G on transcript NM_000094.4 (MANE Select); coding-DNA position 7181, C replaced by G.
Protein change: p.Pro2394Arg; replaces proline 2394 with arginine.
Molecular consequence: missense variant.
Genome position (GRCh38, 1-based): chr3:48,570,952, G>C on the plus strand (C>G on the coding strand, the complement: COL7A1 is on the minus strand). VCF-style: chr3-48570952-G-C. GRCh37 (hg19) VCF-style: chr3-48608385-G-C.
Other names: short protein forms P2394R.
Identifiers: ClinVar variation 2765184 (VCV002765184.4), dbSNP rs2107649079, ClinGen allele CA352650605.